The following is an entry in ClinVar:

ClinVar aggregate classification (germline): Uncertain significance (1 of 4 stars; one submission).

Conditions:
Familial cancer of breast. Also called: Hereditary breast cancer; BREAST CANCER, FAMILIAL; hereditary breast carcinoma. Identifiers: Orphanet 227535, MedGen C0346153, MONDO:0016419, OMIM 114480. Disease mechanism: loss of function.

Submission:

Labcorp Genetics (formerly Invitae), Labcorp
Classification: Uncertain significance for Familial cancer of breast. Last evaluated: 2016-01-12. Review status: criteria provided, single submitter. Criteria: Invitae Variant Classification Sherloc (09022015). Collection method: clinical testing. Allele origin: germline.
Comment: This sequence change replaces cysteine with serine at codon 1060 of the PALB2 protein (p.Cys1060Ser). The cysteine residue is highly conserved and there is a moderate physicochemical difference between cysteine and serine. This variant is not present in population databases (ExAC no frequency) and has not been reported in the literature in individuals with a PALB2-related disease. Algorithms developed to predict the effect of missense changes on protein structure and function (SIFT, PolyPhen-2, Align-GVGD) all suggest that this variant is likely to be disruptive, but these predictions have not been confirmed by published functional studies. In summary, this is a novel missense change with uncertain impact on protein function. It has been classified as a Variant of Uncertain Significance.

NM_024675.4(PALB2):c.3179G>C (p.Cys1060Ser)

Gene: PALB2 (partner and localizer of BRCA2; minus strand). Cytogenetic location: 16p12.2.
Variant type: single nucleotide variant.
Coding change: c.3179G>C on transcript NM_024675.4 (MANE Select); coding-DNA position 3179, G replaced by C.
Protein change: p.Cys1060Ser; replaces cysteine 1060 with serine.
Molecular consequence: missense variant.
Genome position (GRCh38, 1-based): chr16:23,614,026, C>G on the plus strand (G>C on the coding strand, the complement: PALB2 is on the minus strand). VCF-style: chr16-23614026-C-G. GRCh37 (hg19) VCF-style: chr16-23625347-C-G.
Other names: short protein forms C1060S.
Identifiers: ClinVar variation 241560 (VCV000241560.9), dbSNP rs116967702, ClinGen allele CA10583351.